The following is an entry in ClinVar:

NM_016239.4(MYO15A):c.8907C>T (p.Ala2969=)

Gene: MYO15A (myosin XVA; plus strand). Cytogenetic location: 17p11.2.
Variant type: single nucleotide variant.
Coding change: c.8907C>T on transcript NM_016239.4 (MANE Select); coding-DNA position 8907, C replaced by T.
Protein change: p.Ala2969=; no amino-acid change (alanine 2969 retained).
Molecular consequence: synonymous variant.
Genome position (GRCh38, 1-based): chr17:18,157,840, C>T. VCF-style: chr17-18157840-C-T. GRCh37 (hg19) VCF-style: chr17-18061154-C-T.
Identifiers: ClinVar variation 179080 (VCV000179080.7), dbSNP rs727504611, ClinGen allele CA183685.

ClinVar aggregate classification (germline): Likely benign. Review status: criteria provided, multiple submitters, no conflicts (2 of 4 stars). 2 submissions from 2 submitters: Likely benign (2). Last evaluated 2024-03-01.

Allele frequency attached by ClinVar (database versions not stated): gnomAD exomes below 0.00001; TOPMed 0.00001.

Submissions (2):

Labcorp Genetics (formerly Invitae), Labcorp
Classification: Likely benign. Last evaluated: 2024-03-01. Review status: criteria provided, single submitter. Criteria: Invitae Variant Classification Sherloc (09022015). Collection method: clinical testing. Allele origin: germline.

Laboratory for Molecular Medicine, Mass General Brigham Personalized Medicine
Classification: Likely benign. Last evaluated: 2013-07-17. Review status: criteria provided, single submitter. Criteria: LMM Criteria. Collection method: clinical testing. Allele origin: germline. Observed: 1 variant allele.
Comment: Ala2969Ala in exon 51 of MYO15A: This variant is not expected to have clinical s ignificance because it does not alter an amino acid residue and is not located w ithin the splice consensus sequence.